The following is an entry in ClinVar:

NM_144991.3(TSPEAR):c.702C>T (p.Asn234=)

Gene: TSPEAR (thrombospondin type laminin G domain and EAR repeats; minus strand). Cytogenetic location: 21q22.3.
Variant type: single nucleotide variant.
Coding change: c.702C>T on transcript NM_144991.3 (MANE Select); coding-DNA position 702, C replaced by T.
Protein change: p.Asn234=; no amino-acid change (asparagine 234 retained).
Molecular consequence: synonymous variant.
Genome position (GRCh38, 1-based): chr21:44,529,886, G>A on the plus strand (C>T on the coding strand, the complement: TSPEAR is on the minus strand). VCF-style: chr21-44529886-G-A. GRCh37 (hg19) VCF-style: chr21-45949769-G-A.
Other names: c.498C>T, p.Asn166= (NM_001272037.2).
Identifiers: ClinVar variation 227140 (VCV000227140.55), dbSNP rs117791519, ClinGen allele CA10056887.

ClinVar aggregate classification (germline): Benign/Likely benign. Review status: criteria provided, multiple submitters, no conflicts (2 of 4 stars). 6 submissions from 6 submitters: Benign (3); Likely benign (2). 1 of the submissions does not count toward it. Last evaluated 2026-07-01.

Conditions:
TSPEAR-related disorder. Also called: TSPEAR-related condition.

Allele frequency attached by ClinVar (database versions not stated): 1000 Genomes Project 0.00220; 1000 Genomes Project 30x 0.00265; TOPMed 0.00409; ESP Exome Variant Server 0.00423; gnomAD exomes 0.00445 and 0.00586; gnomAD 0.00454 and 0.00468; ExAC 0.00492.
gnomAD v4.1: 9,142 of 1,613,222 alleles (0.57%); highest among the groups gnomAD compares: Non-Finnish European, 0.72%; 32 homozygotes.

Submissions (6):

CeGaT Center for Human Genetics Tuebingen
Classification: Likely benign. Last evaluated: 2026-07-01. Review status: criteria provided, single submitter. Criteria: CeGaT Center For Human Genetics Tuebingen Variant Classification Criteria Version 2. Collection method: clinical testing. Allele origin: germline. Affected: yes. Observed: 11 variant alleles.
Comment: TSPEAR: BP4, BP7, BS2

Labcorp Genetics (formerly Invitae), Labcorp
Classification: Benign. Last evaluated: 2026-01-01. Review status: criteria provided, single submitter. Criteria: Invitae Variant Classification Sherloc (09022015). Collection method: clinical testing. Allele origin: germline.

GeneDx
Classification: Benign. Last evaluated: 2018-08-24. Review status: criteria provided, single submitter. Criteria: GeneDx Variant Classification Process June 2021. Collection method: clinical testing. Allele origin: germline. Affected: yes.

Laboratory for Molecular Medicine, Mass General Brigham Personalized Medicine
Classification: Benign. Last evaluated: 2014-11-24. Review status: criteria provided, single submitter. Criteria: LMM Criteria. Collection method: clinical testing. Allele origin: germline. Observed: 2 variant alleles.
Comment: Asn234Asn in exon 5 of TSPEAR: This variant is not expected to have clinical sig nificance because it does not alter an amino acid residue and is not located wit hin the splice consensus sequence. It has been identified in 0.6% (51/8600) of E uropean American chromosomes from a broad population by the NHLBI Exome Sequenci ng Project (dbSNP rs117791519).

Breakthrough Genomics
Classification: Likely benign. Review status: criteria provided, single submitter. Criteria: ACMG Guidelines, 2015. Collection method: not provided. Allele origin: germline. Inheritance: Autosomal recessive inheritance. Affected: yes.

PreventionGenetics, part of Exact Sciences
Classification: Benign for TSPEAR-related condition. Last evaluated: 2020-03-09. Review status: no assertion criteria provided. Collection method: clinical testing. Allele origin: germline. Not counted in ClinVar's aggregate classification.
Comment: This variant is classified as benign based on ACMG/AMP sequence variant interpretation guidelines (Richards et al. 2015 PMID: 25741868, with internal and published modifications).